The following is an entry in ClinVar:

ClinVar aggregate classification (germline): Uncertain significance (1 of 4 stars; one submission).

gnomAD v4.1: 3 of 1,572,524 alleles (0.00019%); highest among the groups gnomAD compares: Non-Finnish European, 0.00017%; no homozygotes.

Submission:

Labcorp Genetics (formerly Invitae), Labcorp
Classification: Uncertain significance. Last evaluated: 2025-02-07. Review status: criteria provided, single submitter. Criteria: Invitae Variant Classification Sherloc (09022015). Collection method: clinical testing. Allele origin: germline.
Comment: This sequence change replaces aspartic acid, which is acidic and polar, with histidine, which is basic and polar, at codon 445 of the IFT74 protein (p.Asp445His). This variant also falls at the last nucleotide of exon 16, which is part of the consensus splice site for this exon. This variant is not present in population databases (gnomAD no frequency). This variant has not been reported in the literature in individuals affected with IFT74-related conditions. An algorithm developed to predict the effect of missense changes on protein structure and function (PolyPhen-2) suggests that this variant is likely to be tolerated. Variants that disrupt the consensus splice site are a relatively common cause of aberrant splicing (PMID: 17576681, 9536098). Algorithms developed to predict the effect of sequence changes on RNA splicing suggest that this variant may disrupt the consensus splice site. In summary, the available evidence is currently insufficient to determine the role of this variant in disease. Therefore, it has been classified as a Variant of Uncertain Significance.

Literature cited by the submitters: PubMed 17576681; PubMed 9536098.

NM_025103.4(IFT74):c.1333G>C (p.Asp445His)

Gene: IFT74 (intraflagellar transport 74; plus strand). Cytogenetic location: 9p21.2.
Variant type: single nucleotide variant.
Coding change: c.1333G>C on transcript NM_025103.4 (MANE Select); coding-DNA position 1333, G replaced by C.
Protein change: p.Asp445His; replaces aspartic acid 445 with histidine.
Molecular consequence: missense variant.
Genome position (GRCh38, 1-based): chr9:27,048,274, G>C. VCF-style: chr9-27048274-G-C. GRCh37 (hg19) VCF-style: chr9-27048272-G-C.
Other names: c.1333G>C, p.Asp445His (NM_001099222.3, NM_001099223.3, NM_001349928.2); short protein forms D445H.
Identifiers: ClinVar variation 4712559 (VCV004712559.1).